The following is an entry in ClinVar:

NM_001308093.3(GATA4):c.283G>A (p.Asp95Asn)

Gene: GATA4 (GATA binding protein 4). Cytogenetic location: 8p23.1.
Variant type: single nucleotide variant.
Coding change: c.283G>A on transcript NM_001308093.3 (MANE Select); coding-DNA position 283, G replaced by A.
Protein change: p.Asp95Asn; replaces aspartic acid 95 with asparagine.
Molecular consequence: missense variant. On other transcripts: intron variant (3).
Genome position (GRCh38, 1-based): chr8:11,708,595, G>A. VCF-style: chr8-11708595-G-A. GRCh37 (hg19) VCF-style: chr8-11566104-G-A.
Other names: c.283G>A, p.Asp95Asn (NM_002052.5); c.-6+7817G>A (NM_001308094.2); c.-3+581G>A (NM_001374274.1); c.-3+4291G>A (NM_001374273.1); short protein forms D95N.
Identifiers: ClinVar variation 1419679 (VCV001419679.6), dbSNP rs745305589, ClinGen allele CA4630619.

ClinVar aggregate classification (germline): Uncertain significance (1 of 4 stars; one submission).

Conditions:
Atrioventricular septal defect 4 (AVSD4). Identifiers: MedGen C3280781, MONDO:0013747, OMIM 614430.

Allele frequency attached by ClinVar (database versions not stated): gnomAD exomes 0.00002 and 0.00014; TOPMed 0.00002; gnomAD 0.00003 and 0.00004; ExAC 0.00041.
gnomAD v4.1: 28 of 1,359,542 alleles (0.0021%); highest among the groups gnomAD compares: Admixed American, 0.0033%; no homozygotes.

Submission:

Labcorp Genetics (formerly Invitae), Labcorp
Classification: Uncertain significance for Atrioventricular septal defect 4. Last evaluated: 2024-10-03. Review status: criteria provided, single submitter. Criteria: Invitae Variant Classification Sherloc (09022015). Collection method: clinical testing. Allele origin: germline.
Comment: This sequence change replaces aspartic acid, which is acidic and polar, with asparagine, which is neutral and polar, at codon 95 of the GATA4 protein (p.Asp95Asn). The frequency data for this variant in the population databases is considered unreliable, as metrics indicate poor data quality at this position in the gnomAD database. This variant has not been reported in the literature in individuals affected with GATA4-related conditions. ClinVar contains an entry for this variant (Variation ID: 1419679). Invitae Evidence Modeling of protein sequence and biophysical properties (such as structural, functional, and spatial information, amino acid conservation, physicochemical variation, residue mobility, and thermodynamic stability) indicates that this missense variant is not expected to disrupt GATA4 protein function with a negative predictive value of 95%. In summary, the available evidence is currently insufficient to determine the role of this variant in disease. Therefore, it has been classified as a Variant of Uncertain Significance.